The following is an entry in ClinVar:

NM_001987.5(ETV6):c.463+1G>A

Gene: ETV6 (ETS variant transcription factor 6; plus strand). Cytogenetic location: 12p13.2.
Variant type: single nucleotide variant.
Coding change: c.463+1G>A on transcript NM_001987.5 (MANE Select); the canonical splice donor site of the intron after coding-DNA position 463, G replaced by A.
Molecular consequence: splice donor variant.
Genome position (GRCh38, 1-based): chr12:11,853,562, G>A. VCF-style: chr12-11853562-G-A. GRCh37 (hg19) VCF-style: chr12-12006496-G-A.
Other names: c.436+1G>A (NM_001413914.1); c.463+1G>A (NM_001413917.1, NM_001413916.1); c.460+1G>A (NM_001413913.1); c.199+1G>A (NM_001413915.1).
Identifiers: ClinVar variation 1678089 (VCV001678089.4), dbSNP rs1946588845, ClinGen allele CA384043266.

ClinVar aggregate classification (germline): Uncertain significance. Review status: criteria provided, multiple submitters, no conflicts (2 of 4 stars). 2 submissions from 2 submitters: Uncertain significance (2). Last evaluated 2022-10-30.

Allele frequency attached by ClinVar (database versions not stated): TOPMed below 0.00001.

Submissions (2):

Labcorp Genetics (formerly Invitae), Labcorp
Classification: Uncertain significance. Last evaluated: 2022-10-30. Review status: criteria provided, single submitter. Criteria: Invitae Variant Classification Sherloc (09022015). Collection method: clinical testing. Allele origin: germline.
Comment: ClinVar contains an entry for this variant (Variation ID: 1678089). This variant has not been reported in the literature in individuals affected with ETV6-related conditions. This variant is not present in population databases (gnomAD no frequency). This sequence change affects a donor splice site in intron 4 of the ETV6 gene. It is expected to disrupt RNA splicing. Variants that disrupt the donor or acceptor splice site typically lead to a loss of protein function (PMID: 16199547), however the current clinical and genetic evidence is not sufficient to establish whether loss-of-function variants in ETV6 cause disease. Algorithms developed to predict the effect of sequence changes on RNA splicing suggest that this variant may disrupt the consensus splice site. In summary, the available evidence is currently insufficient to determine the role of this variant in disease. Therefore, it has been classified as a Variant of Uncertain Significance.

AiLife Diagnostics
Classification: Uncertain significance. Last evaluated: 2022-03-30. Review status: criteria provided, single submitter. Criteria: ACMG Guidelines, 2015. Collection method: clinical testing. Allele origin: germline. Affected: yes. Observed: 1 variant allele.

Literature cited by the submitters: PubMed 16199547 (cited by Labcorp Genetics (formerly Invitae), Labcorp).